The following is an entry in ClinVar:

ClinVar aggregate classification (germline): Uncertain significance (1 of 4 stars; one submission).

Allele frequency attached by ClinVar (database versions not stated): gnomAD 0.00001; gnomAD exomes 0.00003; ExAC 0.00007; ESP Exome Variant Server 0.00008; 1000 Genomes Project 30x 0.00016.
gnomAD v4.1: 37 of 1,614,050 alleles (0.0023%); highest among the groups gnomAD compares: Middle Eastern, 0.033%; 1 homozygote.

Submission:

Labcorp Genetics (formerly Invitae), Labcorp
Classification: Uncertain significance. Last evaluated: 2024-11-03. Review status: criteria provided, single submitter. Criteria: Invitae Variant Classification Sherloc (09022015). Collection method: clinical testing. Allele origin: germline.
Comment: This sequence change replaces valine, which is neutral and non-polar, with methionine, which is neutral and non-polar, at codon 337 of the RHO protein (p.Val337Met). This variant is present in population databases (rs201989308, gnomAD 0.02%). This variant has not been reported in the literature in individuals affected with RHO-related conditions. ClinVar contains an entry for this variant (Variation ID: 1401456). Invitae Evidence Modeling of protein sequence and biophysical properties (such as structural, functional, and spatial information, amino acid conservation, physicochemical variation, residue mobility, and thermodynamic stability) indicates that this missense variant is not expected to disrupt RHO protein function with a negative predictive value of 95%. In summary, the available evidence is currently insufficient to determine the role of this variant in disease. Therefore, it has been classified as a Variant of Uncertain Significance.

NM_000539.3(RHO):c.1009G>A (p.Val337Met)

Gene: RHO (rhodopsin; plus strand). Cytogenetic location: 3q22.1.
Variant type: single nucleotide variant.
Coding change: c.1009G>A on transcript NM_000539.3 (MANE Select); coding-DNA position 1009, G replaced by A.
Protein change: p.Val337Met; replaces valine 337 with methionine.
Molecular consequence: missense variant.
Genome position (GRCh38, 1-based): chr3:129,533,680, G>A. VCF-style: chr3-129533680-G-A. GRCh37 (hg19) VCF-style: chr3-129252523-G-A.
Other names: short protein forms V337M.
Identifiers: ClinVar variation 1401456 (VCV001401456.8), dbSNP rs201989308, ClinGen allele CA2607359.